The following is an entry in ClinVar:

ClinVar aggregate classification (germline): Likely benign (1 of 4 stars; one submission).

Submission:

GeneDx
Classification: Likely benign. Last evaluated: 2019-08-15. Review status: criteria provided, single submitter. Criteria: GeneDx Variant Classification Process June 2021. Collection method: clinical testing. Allele origin: germline. Affected: yes.
Comment: See Variant Classification Assertion Criteria.

NM_018036.7(ATG2B):c.4734-14_4734-13dup

Gene: ATG2B (autophagy related 2B; minus strand). Cytogenetic location: 14q32.2.
Variant type: Duplication.
Coding change: c.4734-14_4734-13dup on transcript NM_018036.7 (MANE Select); 14 bases into the intron before coding-DNA position 4734 through 13 bases into the intron before coding-DNA position 4734, 2 bases duplicated (TT; older notation c.4734-14_4734-13dupTT).
Molecular consequence: intron variant.
Genome position (GRCh38, 1-based): chr14:96,304,616-96,304,617, AA duplicated on the plus strand (TT on the coding strand, the reverse complement: ATG2B is on the minus strand); duplicating any 2 consecutive bases within chr14:96,304,616-96,304,629 gives the same sequence; the c. name uses the placement nearest the transcript's 3' end. VCF-style (leftmost placement, unchanged base first): chr14-96304615-C-CAA. GRCh37 (hg19) VCF-style: chr14-96770952-C-CAA.
Identifiers: ClinVar variation 4795382 (VCV004795382.1).
Genomic context (GRCh38, chr14:96,304,615, plus strand): 5'-ATTACGTCCATGTCTCGTGGGTGTGTGAGAAGGCGAACTGTGGGGACTACTAAAAATGAG[C>CAA]AAAAAAAAAAAAAACCCTTTTGTTAAAGGAATATTCAAAGAAAGTCAATGAATGACATTA-3'